The following is an entry in ClinVar:

ClinVar aggregate classification (germline): Uncertain significance. Review status: criteria provided, multiple submitters, no conflicts (2 of 4 stars). 3 submissions from 3 submitters: Uncertain significance (3). Last evaluated 2024-09-23.

Conditions:
Pyogenic arthritis-pyoderma gangrenosum-acne syndrome (PAPA). Also called: FAMILIAL RECURRENT ARTHRITIS; PAPA SYNDROME. Identifiers: Orphanet 69126, MedGen C1858361, MONDO:0011462, OMIM 604416.

Submissions (3):

Blueprint Genetics
Classification: Uncertain significance. Last evaluated: 2024-09-23. Review status: criteria provided, single submitter. Criteria: ACMG Guidelines, 2015. Collection method: clinical testing. Allele origin: germline.

Labcorp Genetics (formerly Invitae), Labcorp
Classification: Uncertain significance for Pyogenic arthritis-pyoderma gangrenosum-acne syndrome. Last evaluated: 2024-05-06. Review status: criteria provided, single submitter. Criteria: Invitae Variant Classification Sherloc (09022015). Collection method: clinical testing. Allele origin: germline.
Comment: This sequence change creates a premature translational stop signal (p.Ala329Valfs*13) in the PSTPIP1 gene. It is expected to result in an absent or disrupted protein product. However, the current clinical and genetic evidence is not sufficient to establish whether loss-of-function variants in PSTPIP1 cause disease. This variant is not present in population databases (gnomAD no frequency). This variant has not been reported in the literature in individuals affected with PSTPIP1-related conditions. ClinVar contains an entry for this variant (Variation ID: 1312608). Algorithms developed to predict the effect of sequence changes on RNA splicing suggest that this variant may disrupt the consensus splice site. In summary, the available evidence is currently insufficient to determine the role of this variant in disease. Therefore, it has been classified as a Variant of Uncertain Significance.

GeneDx
Classification: Uncertain significance. Last evaluated: 2020-04-06. Review status: criteria provided, single submitter. Criteria: GeneDx Variant Classification Process June 2021. Collection method: clinical testing. Allele origin: germline. Affected: yes.
Comment: Frameshift variant predicted to result in protein truncation or nonsense mediated decay in a gene for which loss-of-function is not a known mechanism of disease; Not observed in large population cohorts (Lek et al., 2016); Has not been previously published as pathogenic or benign to our knowledge

NM_003978.3(PSTPIP1):c.986_987del

Gene: PSTPIP1 (proline-serine-threonine phosphatase interacting protein 1; plus strand). Cytogenetic location: 15q24.3.
Variant type: Deletion.
Coding change: c.986_987del on transcript NM_003978.3; coding-DNA positions 986 to 987, 2 bases deleted (CG; older notation c.986_987delCG).
Molecular consequence: intron variant (on NM_001411086.1).
Genome position (GRCh38, 1-based): chr15:77,035,802-77,035,803, CG deleted; deleting any 2 consecutive bases within chr15:77,035,801-77,035,803 gives the same sequence; the c. name uses the placement nearest the transcript's 3' end. VCF-style (leftmost placement, unchanged base first): chr15-77035800-AGC-A. GRCh37 (hg19) VCF-style: chr15-77328141-AGC-A.
Other names: c.986-9_986-8del (NM_001411086.1).
Identifiers: ClinVar variation 1312608 (VCV001312608.5), dbSNP rs2076551553, ClinGen allele CA2188863491.